The following is an entry in ClinVar:

NM_013275.6(ANKRD11):c.3340T>C (p.Tyr1114His)

Gene: ANKRD11 (ankyrin repeat domain containing 11; minus strand). Cytogenetic location: 16q24.3.
Variant type: single nucleotide variant.
Coding change: c.3340T>C on transcript NM_013275.6 (MANE Select); coding-DNA position 3340, T replaced by C.
Protein change: p.Tyr1114His; replaces tyrosine 1114 with histidine.
Molecular consequence: missense variant.
Genome position (GRCh38, 1-based): chr16:89,283,202, A>G on the plus strand (T>C on the coding strand, the complement: ANKRD11 is on the minus strand). VCF-style: chr16-89283202-A-G. GRCh37 (hg19) VCF-style: chr16-89349610-A-G.
Other names: c.3340T>C, p.Tyr1114His (NM_001256182.2, NM_001256183.2); short protein forms Y1114H.
Identifiers: ClinVar variation 3393836 (VCV003393836.1).

ClinVar aggregate classification (germline): Uncertain significance (1 of 4 stars; one submission).

Submission:

GeneDx
Classification: Uncertain significance. Last evaluated: 2024-07-05. Review status: criteria provided, single submitter. Criteria: GeneDx Variant Classification Process June 2021. Collection method: clinical testing. Allele origin: germline. Affected: yes.
Comment: Not observed at significant frequency in large population cohorts (gnomAD); In silico analysis indicates that this missense variant does not alter protein structure/function; Has not been previously published as pathogenic or benign to our knowledge